The following is an entry in ClinVar:

NC_000017.11:g.(?_43044336)_(43045822_?)del

Gene: BRCA1 (BRCA1 DNA repair associated; minus strand). Cytogenetic location: 17q21.31.
Variant type: Deletion.
Identifiers: ClinVar variation 832503 (VCV000832503.1).

ClinVar aggregate classification (germline): Pathogenic (1 of 4 stars; one submission).

Conditions:
Hereditary breast ovarian cancer syndrome. Also called: Hereditary breast and/or ovarian cancer syndrome; Hereditary breast and ovarian cancer syndrome (HBOC); Breast and ovarian cancer; Hereditary breast and ovarian cancer; BRCA1- and BRCA2-Associated Hereditary Breast and Ovarian Cancer; Hereditary breast and ovarian cancer syndrome. Identifiers: Orphanet 145, MedGen C0677776, MeSH D061325, MONDO:0003582. Disease mechanism: loss of function.

Submission:

Labcorp Genetics (formerly Invitae), Labcorp
Classification: Pathogenic for Hereditary breast and ovarian cancer syndrome. Last evaluated: 2019-12-20. Review status: criteria provided, single submitter. Criteria: Invitae Variant Classification Sherloc (09022015). Collection method: clinical testing. Allele origin: germline.
Comment: This variant is a gross deletion of the genomic region encompassing exon 23 of the BRCA1 gene. The 5' boundary is likely confined to intron 22. The 3' end of this event is unknown as it extends through the termination codon beyond the assayed region for this gene and may encompass additional genes. While this deletion is not anticipated to result in nonsense mediated decay, it is expected to create a truncated protein product or disrupt mRNA translation. Deletions of exon 23 have been reported in individuals with a personal or family history of breast and ovarian cancer (PMID: 24825132, 25428789, 18431737). A deletion of exon 23 is also known as a deletion of exon 24 in the literature. This deletion is expected to partially remove the C-terminal BRCT domain of the BRCA1 protein, which is important for DNA repair activity (PMID: 14576433, 15133503). A different deleterious variant (p.Tyr1853*) within the deleted sequence of this variant has been shown to disrupt BRCA1 protein function (PMID: 8942979, 20681793, 10811118, 11256609, 17308087), suggesting that although this particular variant may not result in nonsense mediated decay, it is expected to affect BRCA1 protein function. For these reasons, this variant has been classified as Pathogenic.

Literature cited by the submitters: PubMed 17308087; PubMed 15133503; PubMed 24825132; PubMed 8942979; PubMed 11256609; PubMed 18431737; PubMed 10811118; PubMed 20681793; PubMed 14576433; PubMed 25428789.